The following is an entry in ClinVar:

ClinVar aggregate classification (germline): Uncertain significance. Review status: criteria provided, multiple submitters, no conflicts (2 of 4 stars). 5 submissions from 5 submitters: Uncertain significance (5). Last evaluated 2026-01-15.

Conditions:
Hereditary cancer-predisposing syndrome. Also called: Hereditary neoplastic syndrome; Neoplastic Syndromes, Hereditary; Tumor predisposition; Hereditary Cancer Syndrome. Identifiers: Orphanet 140162, MedGen C0027672, MeSH D009386, MONDO:0015356.
Aplastic anemia. Identifiers: Orphanet 182040, Orphanet 88, MedGen C0002874, MONDO:0015909, OMIM 609135, HP:0001915.
Microcephaly, normal intelligence and immunodeficiency (NBS). Also called: IMMUNODEFICIENCY, MICROCEPHALY, AND CHROMOSOMAL INSTABILITY; SEEMANOVA SYNDROME II; Nijmegen breakage syndrome; Microcephaly with normal intelligence immunodeficiency and lymphoreticular malignancies; Nonsyndromal microcephaly autosomal recessive with normal intelligence; Seemanova syndrome 2. Identifiers: Orphanet 647, MedGen C0398791, MONDO:0009623, OMIM 251260.

Allele frequency attached by ClinVar (database versions not stated): gnomAD exomes below 0.00001; ExAC 0.00001.

Submissions (5):

Women's Health and Genetics/Laboratory Corporation of America, LabCorp
Classification: Uncertain significance. Last evaluated: 2026-01-15. Review status: criteria provided, single submitter. Criteria: LabCorp Variant Classification Summary - May 2015. Collection method: clinical testing. Allele origin: germline.
Comment: Variant summary: NBN c.2081C>G (p.Pro694Arg) results in a non-conservative amino acid change in the encoded protein sequence. Algorithms developed to predict the effect of missense changes on protein structure and function are either unavailable or do not agree on the potential impact of this missense change. The variant was absent in 251278 control chromosomes. The available data on variant occurrences in the general population are insufficient to allow any conclusion about variant significance. c.2081C>G has been observed in individuals affected with Breast Cancer and/or Ovarian Cancer without strong evidence for causality (Akcay_2021, Chrysafi_2023). These report(s) do not provide unequivocal conclusions about association of the variant with Nijmegen Breakage Syndrome. To our knowledge, no experimental evidence demonstrating an impact on protein function has been reported. The following publications have been ascertained in the context of this evaluation (PMID: 32658311, 38136308). ClinVar contains an entry for this variant (Variation ID: 481835). Based on the evidence outlined above, the variant was classified as uncertain significance.

Labcorp Genetics (formerly Invitae), Labcorp
Classification: Uncertain significance for Microcephaly, normal intelligence and immunodeficiency. Last evaluated: 2025-10-25. Review status: criteria provided, single submitter. Criteria: Invitae Variant Classification Sherloc (09022015). Collection method: clinical testing. Allele origin: germline.
Comment: This sequence change replaces proline, which is neutral and non-polar, with arginine, which is basic and polar, at codon 694 of the NBN protein (p.Pro694Arg). This variant is present in population databases (rs746090959, gnomAD 0.0009%). This variant has not been reported in the literature in individuals affected with NBN-related conditions. ClinVar contains an entry for this variant (Variation ID: 481835). An algorithm developed to predict the effect of missense changes on protein structure and function (PolyPhen-2) suggests that this variant is likely to be disruptive. In summary, the available evidence is currently insufficient to determine the role of this variant in disease. Therefore, it has been classified as a Variant of Uncertain Significance.

Baylor Genetics
Classification: Uncertain significance for Aplastic anemia. Last evaluated: 2024-01-16. Review status: criteria provided, single submitter. Criteria: ACMG Guidelines, 2015. Collection method: clinical testing. Allele origin: unknown.

Ambry Genetics
Classification: Uncertain significance for Hereditary cancer-predisposing syndrome. Last evaluated: 2023-07-16. Review status: criteria provided, single submitter. Criteria: Ambry Variant Classification Scheme 2023. Collection method: clinical testing. Allele origin: germline.
Comment: The p.P694R variant (also known as c.2081C>G), located in coding exon 14 of the NBN gene, results from a C to G substitution at nucleotide position 2081. The proline at codon 694 is replaced by arginine, an amino acid with dissimilar properties. This amino acid position is highly conserved in available vertebrate species. In addition, the in silico prediction for this alteration is inconclusive. Since supporting evidence is limited at this time, the clinical significance of this alteration remains unclear.

Genome-Nilou Lab
Classification: Uncertain significance for Microcephaly, normal intelligence and immunodeficiency. Last evaluated: 2021-11-07. Review status: criteria provided, single submitter. Criteria: ACMG Guidelines, 2015. Collection method: clinical testing. Allele origin: germline. Affected: no.

Literature cited by the submitters: PubMed 32658311 (cited by Women's Health and Genetics/Laboratory Corporation of America, LabCorp); PubMed 38136308 (cited by Women's Health and Genetics/Laboratory Corporation of America, LabCorp).

NM_002485.5(NBN):c.2081C>G (p.Pro694Arg)

Gene: NBN (nibrin; minus strand). Cytogenetic location: 8q21.3.
Variant type: single nucleotide variant.
Coding change: c.2081C>G on transcript NM_002485.5 (MANE Select); coding-DNA position 2081, C replaced by G.
Protein change: p.Pro694Arg; replaces proline 694 with arginine.
Molecular consequence: missense variant.
Genome position (GRCh38, 1-based): chr8:89,943,356, G>C on the plus strand (C>G on the coding strand, the complement: NBN is on the minus strand). VCF-style: chr8-89943356-G-C. GRCh37 (hg19) VCF-style: chr8-90955584-G-C.
Other names: c.1835C>G, p.Pro612Arg (NM_001024688.3); short protein forms P694R, P612R.
Identifiers: ClinVar variation 481835 (VCV000481835.15), dbSNP rs746090959, ClinGen allele CA4802606.